The following is an entry in ClinVar:

ClinVar aggregate classification (germline): Uncertain significance (1 of 4 stars; one submission).

Submission:

Dasa
Classification: Uncertain significance. Last evaluated: 2024-09-03. Review status: criteria provided, single submitter. Criteria: DASA Assertion Criteria. Collection method: clinical testing. Allele origin: germline.
Comment: NM_004046.6(ATP5F1A):c.290A>C (p.Glu97Ala) is a missense variant that results in the substitution of glutamic acid with alanine. This variant is absent from population databases. Computational prediction algorithms are consistent with a deleterious effect. The currently available literature and clinical evidence are not sufficient to establish a definitive association between this variant and the reported condition. Therefore, this variant is classified as a variant of uncertain significance.

NM_004046.6(ATP5F1A):c.290A>C (p.Glu97Ala)

Gene: ATP5F1A (ATP synthase F1 subunit alpha; minus strand). Cytogenetic location: 18q21.1.
Variant type: single nucleotide variant.
Coding change: c.290A>C on transcript NM_004046.6 (MANE Select); coding-DNA position 290, A replaced by C.
Protein change: p.Glu97Ala; replaces glutamic acid 97 with alanine.
Molecular consequence: missense variant.
Genome position (GRCh38, 1-based): chr18:46,091,701, T>G on the plus strand (A>C on the coding strand, the complement: ATP5F1A is on the minus strand). VCF-style: chr18-46091701-T-G. GRCh37 (hg19) VCF-style: chr18-43671667-T-G.
Other names: c.140A>C, p.Glu47Ala (NM_001001935.3, NM_001257335.2); c.290A>C, p.Glu97Ala (NM_001001937.2, NM_001257334.2); short protein forms E47A, E97A.
Identifiers: ClinVar variation 4883493 (VCV004883493.2).
Genomic context (GRCh38, chr18:46,091,701, plus strand): 5'-ACTTAGATCCTAAAACACCAAAATCTTATTTTATAATTTACCTTTAAGCCTGAAGAAAAC[T>G]CTACCATTTCTTCTGCTTGAACATTCCTCAGCCCATGTACGCGGGCAATACCATCACCAA-3'
Protein context (NP_004037.1, residues 87-107): LRNVQAEEMV[Glu97Ala]FSSGLKGMSL